The following is an entry in ClinVar:

ClinVar aggregate classification (germline): Uncertain significance (1 of 4 stars; one submission).

Conditions:
Dilated cardiomyopathy 1O (CMD1O). Also called: CARDIOMYOPATHY, DILATED, WITH VENTRICULAR TACHYCARDIA. Identifiers: Orphanet 154, MedGen C1837839, MONDO:0012062, OMIM 608569.

Allele frequency attached by ClinVar (database versions not stated): gnomAD exomes below 0.00001.
gnomAD v4.1: 1 of 1,613,932 alleles (0.000062%); highest among the groups gnomAD compares: Non-Finnish European, 0.000085%; no homozygotes.

Submission:

Labcorp Genetics (formerly Invitae), Labcorp
Classification: Uncertain significance for Dilated cardiomyopathy 1O. Last evaluated: 2022-04-29. Review status: criteria provided, single submitter. Criteria: Invitae Variant Classification Sherloc (09022015). Collection method: clinical testing. Allele origin: germline.
Comment: This variant is not present in population databases (gnomAD no frequency). This variant has not been reported in the literature in individuals affected with ABCC9-related conditions. Algorithms developed to predict the effect of missense changes on protein structure and function are either unavailable or do not agree on the potential impact of this missense change (SIFT: "Deleterious"; PolyPhen-2: "Probably Damaging"; Align-GVGD: "Class C0"). In summary, the available evidence is currently insufficient to determine the role of this variant in disease. Therefore, it has been classified as a Variant of Uncertain Significance. This sequence change replaces glycine, which is neutral and non-polar, with cysteine, which is neutral and slightly polar, at codon 1522 of the ABCC9 protein (p.Gly1522Cys).

NM_020297.4(ABCC9):c.4512+738G>T

Genes: ABCC9 (ATP binding cassette subfamily C member 9; minus strand), KCNJ8-AS1 (KCNJ8 antisense RNA 1; plus strand). Cytogenetic location: 12p12.1.
Variant type: single nucleotide variant.
Coding change: c.4512+738G>T on transcript NM_020297.4 (MANE Select); 738 bases into the intron after coding-DNA position 4512, G replaced by T.
Molecular consequence: intron variant. On other transcripts: missense variant (1).
Genome position (GRCh38, 1-based): chr12:21,805,260, C>A on the plus strand (G>T on the coding strand, the complement: ABCC9 is on the minus strand). VCF-style: chr12-21805260-C-A. GRCh37 (hg19) VCF-style: chr12-21958194-C-A.
Other names: c.4564G>T, p.Gly1522Cys (NM_005691.4); c.3645+738G>T (NM_001377274.1); c.4512+738G>T (NM_001377273.1); short protein forms G1522C.
Identifiers: ClinVar variation 2195564 (VCV002195564.4), dbSNP rs2137105002, ClinGen allele CA384129296.